The following is an entry in ClinVar:

NM_152703.5(SAMD9L):c.2499G>T (p.Leu833Phe)

Gene: SAMD9L (sterile alpha motif domain containing 9 like; minus strand). Cytogenetic location: 7q21.2.
Variant type: single nucleotide variant.
Coding change: c.2499G>T on transcript NM_152703.5 (MANE Select); coding-DNA position 2499, G replaced by T.
Protein change: p.Leu833Phe; replaces leucine 833 with phenylalanine.
Molecular consequence: missense variant.
Genome position (GRCh38, 1-based): chr7:93,133,473, C>A on the plus strand (G>T on the coding strand, the complement: SAMD9L is on the minus strand). VCF-style: chr7-93133473-C-A. GRCh37 (hg19) VCF-style: chr7-92762786-C-A.
Other names: c.2499G>T, p.Leu833Phe (NM_001303496.3, NM_001303497.3, NM_001303498.3 and 5 more transcripts); c.2499G>T (NM_152703.2); short protein forms L833F.
Identifiers: ClinVar variation 2119542 (VCV002119542.5), dbSNP rs149822295, ClinGen allele CA4343577.
Genomic context (GRCh38, chr7:93,133,473, plus strand): 5'-GTCTGCCAATTTTGCACTTTCATCTGGATTCCGGGATCTCATGCAGTTTAAGATAATTAC[C>A]AATGTTTTTTCATATCGCAAATCCTTTTCTGCTAAAACGGAATGGATGGCATTTTGTAGA-3'
Protein context (NP_689916.2, residues 823-843): AEKDLRYEKT[Leu833Phe]VIILNCMRSR

ClinVar aggregate classification (germline): Uncertain significance. Review status: criteria provided, multiple submitters, no conflicts (2 of 4 stars). 2 submissions from 2 submitters: Uncertain significance (2). Last evaluated 2025-03-10.

Conditions:
Inborn genetic diseases. Identifiers: MedGen C0950123, MeSH D030342.

gnomAD v4.1: 33 of 1,612,100 alleles (0.002%); highest among the groups gnomAD compares: Non-Finnish European, 0.0028%; no homozygotes.

Submissions (2):

Ambry Genetics
Classification: Uncertain significance for Inborn genetic diseases. Last evaluated: 2025-03-10. Review status: criteria provided, single submitter. Criteria: Ambry Variant Classification Scheme 2023. Collection method: clinical testing. Allele origin: germline.
Comment: The p.L833F variant (also known as c.2499G>T), located in coding exon 1 of the SAMD9L gene, results from a G to T substitution at nucleotide position 2499. The leucine at codon 833 is replaced by phenylalanine, an amino acid with highly similar properties. This amino acid position is conserved. In addition, this alteration is predicted to be tolerated by in silico analysis. Based on the available evidence, the clinical significance of this variant remains unclear.

Labcorp Genetics (formerly Invitae), Labcorp
Classification: Uncertain significance. Last evaluated: 2023-10-13. Review status: criteria provided, single submitter. Criteria: Invitae Variant Classification Sherloc (09022015). Collection method: clinical testing. Allele origin: germline.
Comment: This sequence change replaces leucine, which is neutral and non-polar, with phenylalanine, which is neutral and non-polar, at codon 833 of the SAMD9L protein (p.Leu833Phe). This variant is not present in population databases (gnomAD no frequency). This variant has not been reported in the literature in individuals affected with SAMD9L-related conditions. ClinVar contains an entry for this variant (Variation ID: 2119542). Advanced modeling of protein sequence and biophysical properties (such as structural, functional, and spatial information, amino acid conservation, physicochemical variation, residue mobility, and thermodynamic stability) performed at Invitae indicates that this missense variant is not expected to disrupt SAMD9L protein function. In summary, the available evidence is currently insufficient to determine the role of this variant in disease. Therefore, it has been classified as a Variant of Uncertain Significance.